The following is an entry in ClinVar:

NM_002693.3(POLG):c.1950-2A>G

Gene: POLG (DNA polymerase gamma, catalytic subunit; minus strand). Cytogenetic location: 15q26.1.
Variant type: single nucleotide variant.
Coding change: c.1950-2A>G on transcript NM_002693.3 (MANE Select); the canonical splice acceptor site of the intron before coding-DNA position 1950, A replaced by G.
Molecular consequence: splice acceptor variant.
Genome position (GRCh38, 1-based): chr15:89,324,229, T>C on the plus strand (A>G on the coding strand, the complement: POLG is on the minus strand). VCF-style: chr15-89324229-T-C. GRCh37 (hg19) VCF-style: chr15-89867460-T-C.
Other names: c.1950-2A>G (NM_001126131.2).
Identifiers: ClinVar variation 1481710 (VCV001481710.6), dbSNP rs2152063472, ClinGen allele CA393757928.

ClinVar aggregate classification (germline): Likely pathogenic (1 of 4 stars; one submission).

Conditions:
Progressive sclerosing poliodystrophy (MTDPS4A). Also called: Mitochondrial DNA depletion syndrome 4A (Alpers type); ALPERS PROGRESSIVE INFANTILE POLIODYSTROPHY; NEURONAL DEGENERATION OF CHILDHOOD WITH LIVER DISEASE, PROGRESSIVE; Mitochondrial DNA Depletion Syndrome 4A; Alpers-Huttenlocher Syndrome (AHS); Alpers Syndrome. Identifiers: Orphanet 726, MedGen C0205710, MONDO:0008758, OMIM 203700.

Submission:

Labcorp Genetics (formerly Invitae), Labcorp
Classification: Likely pathogenic for Progressive sclerosing poliodystrophy. Last evaluated: 2021-09-18. Review status: criteria provided, single submitter. Criteria: Invitae Variant Classification Sherloc (09022015). Collection method: clinical testing. Allele origin: germline.
Comment: In summary, the currently available evidence indicates that the variant is pathogenic, but additional data are needed to prove that conclusively. Therefore, this variant has been classified as Likely Pathogenic. Algorithms developed to predict the effect of sequence changes on RNA splicing suggest that this variant may disrupt the consensus splice site. This variant has not been reported in the literature in individuals affected with POLG-related conditions. This variant is not present in population databases (ExAC no frequency). This sequence change affects an acceptor splice site in intron 10 of the POLG gene. It is expected to disrupt RNA splicing. Variants that disrupt the donor or acceptor splice site typically lead to a loss of protein function (PMID: 16199547), and loss-of-function variants in POLG are known to be pathogenic (PMID: 18546365).

Literature cited by the submitters: PubMed 16199547; PubMed 18546365.